The following is an entry in ClinVar:

ClinVar aggregate classification (germline): Uncertain significance (1 of 4 stars; one submission).

Conditions:
Mitochondrial DNA depletion syndrome 1. Also called: Mitochondrial Neurogastrointestinal Encephalopathy Disease; MITOCHONDRIAL NEUROGASTROINTESTINAL ENCEPHALOPATHY SYNDROME, TYMP-RELATED; MNGIE, TYMP-RELATED; Mitochondrial DNA depletion syndrome 1 (MNGIE type); Mitochondrial neurogastrointestinal encephalomyopathy syndrome; POLIP SYNDROME. Identifiers: Orphanet 298, MedGen C4551995, MONDO:0011283, OMIM 603041.

Submission:

Victorian Clinical Genetics Services, Murdoch Childrens Research Institute
Classification: Uncertain significance for Mitochondrial DNA depletion syndrome 1. Last evaluated: 2020-05-21. Review status: criteria provided, single submitter. Criteria: ACMG Guidelines, 2015. Collection method: clinical testing. Allele origin: germline. Inheritance: Autosomal recessive inheritance. Affected: yes.
Comment: A heterozygous missense variant was identified, NM_001257988.1(TYMP):c.1109A>T in exon 8 of 10 of the TYMP gene. This substitution is predicted to create a major amino acid change from glutamine to leucine at position 370 of the protein, NP_001244917.1(TYMP):p.(Gln370Leu). The glutamine at this position has low conservation (100 vertebrates, UCSC), and is not situated in a known functional domain (PDB, NCBI). In silico software predictions of the pathogenicity of this variant are conflicting (PolyPhen, SIFT, CADD, MutationTaster). The variant is not present in the gnomAD population database, however, an alternative change to histidine at the same residue has been reported in the gnomAD database at a frequency of 0.15% in the East Asian population. The variant has not previously been reported in clinical cases. Based on information available at the time of curation, this variant has been classified as a VARIANT of UNCERTAIN SIGNIFICANCE (VUS).

NM_001953.5(TYMP):c.1109A>T (p.Gln370Leu)

Genes: SCO2 (synthesis of cytochrome C oxidase 2; minus strand), TYMP (thymidine phosphorylase; minus strand), LOC130067862 (ATAC-STARR-seq lymphoblastoid silent region 13986; plus strand). Cytogenetic location: 22q13.33.
Variant type: single nucleotide variant.
Coding change: c.1109A>T on transcript NM_001953.5 (MANE Select); coding-DNA position 1109, A replaced by T.
Protein change: p.Gln370Leu; replaces glutamine 370 with leucine.
Molecular consequence: missense variant. On other transcripts: 5 prime UTR variant (1).
Genome position (GRCh38, 1-based): chr22:50,526,296, T>A on the plus strand (A>T on the coding strand, the complement: TYMP is on the minus strand). VCF-style: chr22-50526296-T-A. GRCh37 (hg19) VCF-style: chr22-50964725-T-A.
Other names: c.1109A>T, p.Gln370Leu (NM_001113755.3, NM_001113756.3, NM_001257988.1 and 1 more transcripts); c.-64A>T (NM_001169109.2); short protein forms Q370L.
Identifiers: ClinVar variation 1699051 (VCV001699051.3), dbSNP rs1276418601, ClinGen allele CA412197480.